The following is an entry in ClinVar:

ClinVar aggregate classification (germline): Uncertain significance (1 of 4 stars; one submission).

Conditions:
Familial cancer of breast. Also called: BREAST CANCER, FAMILIAL; hereditary breast carcinoma; Hereditary breast cancer. Identifiers: Orphanet 227535, MedGen C0346153, MONDO:0016419, OMIM 114480. Disease mechanism: loss of function.
Fanconi anemia complementation group J. Also called: BRIP1-Related Fanconi Anemia. Identifiers: Orphanet 84, MedGen C1836860, MONDO:0012187, OMIM 609054.

Submission:

Labcorp Genetics (formerly Invitae), Labcorp
Classification: Uncertain significance for Familial cancer of breast; Fanconi anemia complementation group J. Last evaluated: 2023-10-09. Review status: criteria provided, single submitter. Criteria: Invitae Variant Classification Sherloc (09022015). Collection method: clinical testing. Allele origin: germline.
Comment: This sequence change replaces serine, which is neutral and polar, with arginine, which is basic and polar, at codon 876 of the BRIP1 protein (p.Ser876Arg). This variant is not present in population databases (gnomAD no frequency). This variant has not been reported in the literature in individuals affected with BRIP1-related conditions. Advanced modeling of protein sequence and biophysical properties (such as structural, functional, and spatial information, amino acid conservation, physicochemical variation, residue mobility, and thermodynamic stability) performed at Invitae indicates that this missense variant is not expected to disrupt BRIP1 protein function. In summary, the available evidence is currently insufficient to determine the role of this variant in disease. Therefore, it has been classified as a Variant of Uncertain Significance.

NM_032043.3(BRIP1):c.2628T>A (p.Ser876Arg)

Gene: BRIP1 (BRCA1 interacting DNA helicase 1; minus strand). Cytogenetic location: 17q23.2.
Variant type: single nucleotide variant.
Coding change: c.2628T>A on transcript NM_032043.3 (MANE Select); coding-DNA position 2628, T replaced by A.
Protein change: p.Ser876Arg; replaces serine 876 with arginine.
Molecular consequence: missense variant.
Genome position (GRCh38, 1-based): chr17:61,686,113, A>T on the plus strand (T>A on the coding strand, the complement: BRIP1 is on the minus strand). VCF-style: chr17-61686113-A-T. GRCh37 (hg19) VCF-style: chr17-59763474-A-T.
Other names: short protein forms S876R.
Identifiers: ClinVar variation 2952700 (VCV002952700.3), dbSNP rs1032574757, ClinGen allele CA400481910.